The following is an entry in ClinVar:

ClinVar aggregate classification (germline): Likely benign. Review status: criteria provided, multiple submitters, no conflicts (2 of 4 stars). 3 submissions from 3 submitters: Likely benign (3). Last evaluated 2024-07-01.

Conditions:
Early-infantile DEE. Also called: Early infantile epileptic encephalopathy; Ohtahara syndrome; Early infantile epileptic encephalopathy with suppression bursts. Identifiers: Orphanet 1934, MedGen C0393706, MONDO:0800491.

Allele frequency attached by ClinVar (database versions not stated): gnomAD exomes below 0.00001; TOPMed below 0.00001; ExAC 0.00001.
gnomAD v4.1: 3 of 1,594,918 alleles (0.00019%); highest among the groups gnomAD compares: South Asian, 0.0035%; no homozygotes.

Submissions (3):

CeGaT Center for Human Genetics Tuebingen
Classification: Likely benign. Last evaluated: 2024-07-01. Review status: criteria provided, single submitter. Criteria: CeGaT Center For Human Genetics Tuebingen Variant Classification Criteria Version 2. Collection method: clinical testing. Allele origin: germline. Affected: yes. Observed: 1 variant allele.
Comment: SCN8A: BP4, BP7

Labcorp Genetics (formerly Invitae), Labcorp
Classification: Likely benign for Early-infantile DEE. Last evaluated: 2022-10-09. Review status: criteria provided, single submitter. Criteria: Invitae Variant Classification Sherloc (09022015). Collection method: clinical testing. Allele origin: germline.

GeneDx
Classification: Likely benign. Last evaluated: 2017-04-28. Review status: criteria provided, single submitter. Criteria: GeneDx Variant Classification (06012015). Collection method: clinical testing. Allele origin: germline. Affected: yes.
Comment: This variant is considered likely benign or benign based on one or more of the following criteria: it is a conservative change, it occurs at a poorly conserved position in the protein, it is predicted to be benign by multiple in silico algorithms, and/or has population frequency not consistent with disease.

NM_001330260.2(SCN8A):c.1591C>T (p.Leu531=)

Gene: SCN8A (sodium voltage-gated channel alpha subunit 8; plus strand). Cytogenetic location: 12q13.13.
Variant type: single nucleotide variant.
Coding change: c.1591C>T on transcript NM_001330260.2 (MANE Select); coding-DNA position 1591, C replaced by T.
Protein change: p.Leu531=; no amino-acid change (leucine 531 retained).
Molecular consequence: synonymous variant.
Genome position (GRCh38, 1-based): chr12:51,706,671, C>T. VCF-style: chr12-51706671-C-T. GRCh37 (hg19) VCF-style: chr12-52100455-C-T.
Other names: c.1591C>T, p.Leu531= (NM_001177984.3, NM_001369788.1, NM_014191.4).
Identifiers: ClinVar variation 509249 (VCV000509249.24), dbSNP rs773176178, ClinGen allele CA6571284.